The following is an entry in ClinVar:

ClinVar aggregate classification (germline): Uncertain significance. Review status: criteria provided, multiple submitters, no conflicts (2 of 4 stars). 2 submissions from 2 submitters: Uncertain significance (2). Last evaluated 2025-04-08.

Conditions:
Progressive sclerosing poliodystrophy (MTDPS4A). Also called: ALPERS DIFFUSE DEGENERATION OF CEREBRAL GRAY MATTER WITH HEPATIC CIRRHOSIS; Alpers-Huttenlocher Syndrome; Alpers-Huttenlocher Syndrome (AHS); Alpers Syndrome; Mitochondrial DNA Depletion Syndrome 4A; ALPERS PROGRESSIVE INFANTILE POLIODYSTROPHY. Identifiers: Orphanet 726, MedGen C0205710, MONDO:0008758, OMIM 203700.

Allele frequency attached by ClinVar (database versions not stated): TOPMed below 0.00001; gnomAD 0.00001; gnomAD exomes 0.00001; ExAC 0.00007.
gnomAD v4.1: 21 of 1,613,944 alleles (0.0013%); highest among the groups gnomAD compares: Non-Finnish European, 0.0014%; no homozygotes.

Submissions (2):

Labcorp Genetics (formerly Invitae), Labcorp
Classification: Uncertain significance for Progressive sclerosing poliodystrophy. Last evaluated: 2025-04-08. Review status: criteria provided, single submitter. Criteria: Invitae Variant Classification Sherloc (09022015). Collection method: clinical testing. Allele origin: germline.
Comment: This sequence change falls in intron 8 of the POLG gene. It does not directly change the encoded amino acid sequence of the POLG protein. It affects a nucleotide within the consensus splice site. This variant is present in population databases (rs746876298, gnomAD 0.009%). This variant has not been reported in the literature in individuals affected with POLG-related conditions. ClinVar contains an entry for this variant (Variation ID: 2166834). Variants that disrupt the consensus splice site are a relatively common cause of aberrant splicing (PMID: 17576681, 9536098). Algorithms developed to predict the effect of sequence changes on RNA splicing suggest that this variant may disrupt the consensus splice site. In summary, the available evidence is currently insufficient to determine the role of this variant in disease. Therefore, it has been classified as a Variant of Uncertain Significance.

Blueprint Genetics
Classification: Uncertain significance. Last evaluated: 2024-04-09. Review status: criteria provided, single submitter. Criteria: ACMG Guidelines, 2015. Collection method: clinical testing. Allele origin: germline.

Literature cited by the submitters: PubMed 17576681 (cited by Labcorp Genetics (formerly Invitae), Labcorp); PubMed 9536098 (cited by Labcorp Genetics (formerly Invitae), Labcorp).

NM_002693.3(POLG):c.1585+5G>A

Gene: POLG (DNA polymerase gamma, catalytic subunit; minus strand). Cytogenetic location: 15q26.1.
Variant type: single nucleotide variant.
Coding change: c.1585+5G>A on transcript NM_002693.3 (MANE Select); 5 bases into the intron after coding-DNA position 1585, G replaced by A.
Molecular consequence: intron variant.
Genome position (GRCh38, 1-based): chr15:89,326,907, C>T on the plus strand (G>A on the coding strand, the complement: POLG is on the minus strand). VCF-style: chr15-89326907-C-T. GRCh37 (hg19) VCF-style: chr15-89870138-C-T.
Other names: c.1585+5G>A (NM_001126131.2).
Identifiers: ClinVar variation 2166834 (VCV002166834.3), dbSNP rs746876298, ClinGen allele CA7724802.